The following is an entry in ClinVar:

NM_001384910.1(GUCA1A):c.567C>G (p.Asp189Glu)

Genes: GUCA1A (guanylate cyclase activator 1A; plus strand), GUCA1ANB-GUCA1A (GUCA1ANB-GUCA1A readthrough; plus strand). Cytogenetic location: 6p21.1.
Variant type: single nucleotide variant.
Coding change: c.567C>G on transcript NM_001384910.1 (MANE Select); coding-DNA position 567, C replaced by G.
Protein change: p.Asp189Glu; replaces aspartic acid 189 with glutamic acid.
Molecular consequence: missense variant.
Genome position (GRCh38, 1-based): chr6:42,179,364, C>G. VCF-style: chr6-42179364-C-G. GRCh37 (hg19) VCF-style: chr6-42147102-C-G.
Other names: c.567C>G, p.Asp189Glu (NM_000409.5, NM_001319061.2, NM_001319062.2); short protein forms D189E.
Identifiers: ClinVar variation 1360868 (VCV001360868.8), dbSNP rs34925828, ClinGen allele CA364110736.

ClinVar aggregate classification (germline): Uncertain significance (1 of 4 stars; one submission).

Submission:

Labcorp Genetics (formerly Invitae), Labcorp
Classification: Uncertain significance. Last evaluated: 2022-08-22. Review status: criteria provided, single submitter. Criteria: Invitae Variant Classification Sherloc (09022015). Collection method: clinical testing. Allele origin: germline.
Comment: ClinVar contains an entry for this variant (Variation ID: 1360868). Algorithms developed to predict the effect of missense changes on protein structure and function output the following: SIFT: "Not Available"; PolyPhen-2: "Not Available"; Align-GVGD: "Not Available". The glutamic acid amino acid residue is found in multiple mammalian species, which suggests that this missense change does not adversely affect protein function. In summary, the available evidence is currently insufficient to determine the role of this variant in disease. Therefore, it has been classified as a Variant of Uncertain Significance. This missense change has been observed in individual(s) with retinitis pigmentosa (Invitae). This sequence change replaces aspartic acid, which is acidic and polar, with glutamic acid, which is acidic and polar, at codon 189 of the GUCA1A protein (p.Asp189Glu). This variant is not present in population databases (gnomAD no frequency).